The following is an entry in ClinVar:

NM_001001563.5(TIMM50):c.425C>T (p.Pro142Leu)

Gene: TIMM50 (translocase of inner mitochondrial membrane 50; plus strand). Cytogenetic location: 19q13.2.
Variant type: single nucleotide variant.
Coding change: c.425C>T on transcript NM_001001563.5 (MANE Select); coding-DNA position 425, C replaced by T.
Protein change: p.Pro142Leu; replaces proline 142 with leucine.
Molecular consequence: missense variant.
Genome position (GRCh38, 1-based): chr19:39,485,740, C>T. VCF-style: chr19-39485740-C-T. GRCh37 (hg19) VCF-style: chr19-39976380-C-T.
Other names: c.86C>T, p.Pro29Leu (NM_001329559.2); short protein forms P29L, P142L.
Identifiers: ClinVar variation 1425875 (VCV001425875.3), dbSNP rs367906416, ClinGen allele CA9431824.

ClinVar aggregate classification (germline): Uncertain significance (1 of 4 stars; one submission).

Allele frequency attached by ClinVar (database versions not stated): ExAC 0.00001; gnomAD 0.00001; gnomAD exomes 0.00001 and 0.00002; TOPMed 0.00001; ESP Exome Variant Server 0.00008.
gnomAD v4.1: 16 of 1,614,010 alleles (0.00099%); highest among the groups gnomAD compares: South Asian, 0.0022%; 1 homozygote.

Submission:

Labcorp Genetics (formerly Invitae), Labcorp
Classification: Uncertain significance. Last evaluated: 2021-12-03. Review status: criteria provided, single submitter. Criteria: Invitae Variant Classification Sherloc (09022015). Collection method: clinical testing. Allele origin: germline.
Comment: This sequence change replaces proline, which is neutral and non-polar, with leucine, which is neutral and non-polar, at codon 245 of the TIMM50 protein (p.Pro245Leu). This variant is present in population databases (rs367906416, gnomAD 0.003%). This variant has not been reported in the literature in individuals affected with TIMM50-related conditions. Algorithms developed to predict the effect of missense changes on protein structure and function are either unavailable or do not agree on the potential impact of this missense change (SIFT: "Not Available"; PolyPhen-2: "Possibly Damaging"; Align-GVGD: "Not Available"). In summary, the available evidence is currently insufficient to determine the role of this variant in disease. Therefore, it has been classified as a Variant of Uncertain Significance.